The following is an entry in ClinVar:

NC_000017.10:g.(?_17119684)_(17140502_?)del

Gene: FLCN (folliculin; minus strand). Cytogenetic location: 17p11.2.
Variant type: Deletion.
Identifiers: ClinVar variation 1460251 (VCV001460251.6).

ClinVar aggregate classification (germline): Pathogenic (1 of 4 stars; one submission).

Conditions:
Birt-Hogg-Dube syndrome. Also called: Birt Hogg Dubé syndrome. Identifiers: Orphanet 122, MedGen C0346010, MONDO:0800444.

Submission:

Labcorp Genetics (formerly Invitae), Labcorp
Classification: Pathogenic for Birt-Hogg-Dube syndrome. Last evaluated: 2021-01-15. Review status: criteria provided, single submitter. Criteria: Invitae Variant Classification Sherloc (09022015). Collection method: clinical testing. Allele origin: germline.
Comment: For these reasons, this variant has been classified as Pathogenic. This variant has not been reported in the literature in individuals with FLCN-related conditions. This variant is a gross deletion of the genomic region encompassing exon(s) 1-11 of the FLCN gene, which includes the initiator codon. The 5' end of this event is unknown as it extends beyond the assayed region for this gene and therefore may encompass additional genes. The 3' boundary is likely confined to intron 11 of the FLCN gene. It is expected to result in an absent or disrupted protein product. Loss-of-function variants in FLCN are known to be pathogenic (PMID: 15852235).

Literature cited by the submitters: PubMed 15852235.